The following is an entry in ClinVar:

ClinVar aggregate classification (germline): Uncertain significance. Review status: criteria provided, multiple submitters, no conflicts (2 of 4 stars). 2 submissions from 2 submitters: Uncertain significance (2). Last evaluated 2026-01-05.

Allele frequency attached by ClinVar (database versions not stated): ExAC 0.00001; gnomAD exomes 0.00002; gnomAD 0.00006 and 0.00007; TOPMed 0.00006; 1000 Genomes Project 30x 0.00016; 1000 Genomes Project 0.00020.
gnomAD v4.1: 20 of 1,569,216 alleles (0.0013%); highest among the groups gnomAD compares: African/African-American, 0.026%; no homozygotes.

Submissions (2):

Labcorp Genetics (formerly Invitae), Labcorp
Classification: Uncertain significance. Last evaluated: 2026-01-05. Review status: criteria provided, single submitter. Criteria: Invitae Variant Classification Sherloc (09022015). Collection method: clinical testing. Allele origin: germline.
Comment: This sequence change replaces proline, which is neutral and non-polar, with leucine, which is neutral and non-polar, at codon 718 of the PTPN23 protein (p.Pro718Leu). This variant is present in population databases (rs200475039, gnomAD 0.02%). This variant has not been reported in the literature in individuals affected with PTPN23-related conditions. ClinVar contains an entry for this variant (Variation ID: 1317067). Experimental studies and prediction algorithms are not available or were not evaluated, and the functional significance of this variant is currently unknown. In summary, the available evidence is currently insufficient to determine the role of this variant in disease. Therefore, it has been classified as a Variant of Uncertain Significance.

GeneDx
Classification: Uncertain significance. Last evaluated: 2020-01-28. Review status: criteria provided, single submitter. Criteria: GeneDx Variant Classification Process June 2021. Collection method: clinical testing. Allele origin: germline. Affected: yes.
Comment: In silico analysis, which includes protein predictors and evolutionary conservation, supports a deleterious effect; Has not been previously published as pathogenic or benign to our knowledge

NM_015466.4(PTPN23):c.2153C>T (p.Pro718Leu)

Gene: PTPN23 (protein tyrosine phosphatase non-receptor type 23; plus strand). Cytogenetic location: 3p21.31.
Variant type: single nucleotide variant.
Coding change: c.2153C>T on transcript NM_015466.4 (MANE Select); coding-DNA position 2153, C replaced by T.
Protein change: p.Pro718Leu; replaces proline 718 with leucine.
Molecular consequence: missense variant.
Genome position (GRCh38, 1-based): chr3:47,409,951, C>T. VCF-style: chr3-47409951-C-T. GRCh37 (hg19) VCF-style: chr3-47451441-C-T.
Other names: c.1775C>T, p.Pro592Leu (NM_001304482.2); short protein forms P592L, P718L.
Identifiers: ClinVar variation 1317067 (VCV001317067.9), dbSNP rs200475039, ClinGen allele CA2365959.
Genomic context (GRCh38, chr3:47,409,951, plus strand): 5'-GGAGCCTGGCCCCACTTTTTCCTTGCCTGTCGCACAGGGAGCTGAAGAAGAAGCCGCCGC[C>T]ACGGCCCACAGCCCCAAAGCCGCTGCTGCCCCGCAGGGAGGAGAGTGAGGCAGTGGAAGC-3'
Protein context (NP_056281.1, residues 708-728): LDRELKKKPP[Pro718Leu]RPTAPKPLLP